The following is an entry in ClinVar:

NM_000361.3(THBD):c.317G>A (p.Arg106His)

Gene: THBD (thrombomodulin; minus strand). Cytogenetic location: 20p11.21.
Variant type: single nucleotide variant.
Coding change: c.317G>A on transcript NM_000361.3 (MANE Select); coding-DNA position 317, G replaced by A.
Protein change: p.Arg106His; replaces arginine 106 with histidine.
Molecular consequence: missense variant.
Genome position (GRCh38, 1-based): chr20:23,049,188, C>T on the plus strand (G>A on the coding strand, the complement: THBD is on the minus strand). VCF-style: chr20-23049188-C-T. GRCh37 (hg19) VCF-style: chr20-23029825-C-T.
Other names: short protein forms R106H.
Identifiers: ClinVar variation 4280590 (VCV004280590.1).
Genomic context (GRCh38, chr20:23,049,188, plus strand): 5'-TCGAGCCGTGCCCACCTGCTATAGCTGGTGTTGTTGTCTCCCGTAACCCACTGGAAGCCG[C>T]GCAGGGGCCCGAGGCGCTTGGGGTCGCCGCAGCCGGGTGGCAGCTGCAGGCCGATCCAGA-3'
Protein context (NP_000352.1, residues 96-116): CGDPKRLGPL[Arg106His]GFQWVTGDNN

ClinVar aggregate classification (germline): Uncertain significance (1 of 4 stars; one submission).

Conditions:
Thrombomodulin-related bleeding disorder (THPH12). Also called: Thrombophilia due to thrombomodulin defect. Identifiers: Orphanet 436169, MedGen C3280976, MONDO:0013775, OMIM 614486.

Submission:

Genomenon, Inc
Classification: Uncertain significance for Thrombomodulin-related bleeding disorder. Last evaluated: 2025-09-22. Review status: criteria provided, single submitter. Criteria: Genomenon Sequence Variant Interpretation Standards - Updated. Collection method: curation. Allele origin: germline. Affected: no.
Comment: THBD p.Arg106His (c.317G>A) is a missense variant that changes the amino acid at residue 106 from Arginine to Histidine. This variant has been reported in the published literature (PMID:34970867). It is absent or not present at a significant frequency in gnomAD. In conclusion, we classify THBD p.Arg106His (c.317G>A) as a variant of unknown significance.

Literature cited by the submitters: PubMed 34970867.